The following continues an entry in ClinVar:

NM_000071.3(CBS):c.833T>C (p.Ile278Thr)

Gene: CBS. ClinVar aggregate classification (germline): Pathogenic. Pathogenic (29).

Submissions 32 to 39 of 39:

Child Health and Human Development Program, Research Institute of the McGill University Health Center
Classification: Pathogenic for Classic homocystinuria. Review status: no assertion criteria provided. Collection method: clinical testing. Allele origin: unknown. Inheritance: Autosomal recessive inheritance. Affected: yes. Observed: 1 compound heterozygote. Not counted in ClinVar's aggregate classification.
Comment: Clinical characteristics included lens dislocation and elevated fasting homocysteine.

Clinical Genetics DNA and cytogenetics Diagnostics Lab, Erasmus MC, Erasmus Medical Center
Classification: Pathogenic. Review status: no assertion criteria provided. Collection method: clinical testing. Allele origin: germline. Affected: yes. Study: VKGL Data-share Consensus. Not counted in ClinVar's aggregate classification.

Clinical Genetics, Academic Medical Center
Classification: Pathogenic. Review status: no assertion criteria provided. Collection method: clinical testing. Allele origin: germline. Affected: yes. Study: VKGL Data-share Consensus. Not counted in ClinVar's aggregate classification.

Diagnostic Laboratory, Department of Genetics, University Medical Center Groningen
Classification: Pathogenic. Review status: no assertion criteria provided. Collection method: clinical testing. Allele origin: germline. Affected: yes. Study: VKGL Data-share Consensus. Not counted in ClinVar's aggregate classification.

GeneReviews
No classification provided. Condition: Classic homocystinuria. Review status: no classification provided. Collection method: literature only. Allele origin: germline. Not counted in ClinVar's aggregate classification.

Genome Diagnostics Laboratory, Amsterdam University Medical Center
Classification: Pathogenic. Review status: no assertion criteria provided. Collection method: clinical testing. Allele origin: germline. Affected: yes. Study: VKGL Data-share Consensus. Not counted in ClinVar's aggregate classification.

Joint Genome Diagnostic Labs from Nijmegen and Maastricht, Radboudumc and MUMC+
Classification: Pathogenic. Review status: no assertion criteria provided. Collection method: clinical testing. Allele origin: germline. Affected: yes. Study: VKGL Data-share Consensus. Not counted in ClinVar's aggregate classification.

Centre de Biologie Pathologie Génétique, Centre Hospitalier Universitaire de Lille
Classification: Uncertain significance for Intellectual disability. Last evaluated: 2019-01-01. Review status: flagged submission. Collection method: clinical testing. Allele origin: unknown. Affected: yes. Not counted in ClinVar's aggregate classification.
ClinVar note: Reason: Outlier claim with insufficient supporting evidence

Literature cited by the submitters: PubMed 1301198 (cited by 6 submitters); PubMed 2056790 (cited by Labcorp Genetics (formerly Invitae), Labcorp); PubMed 7611293 (cited by 6 submitters); PubMed 7635485 (cited by Labcorp Genetics (formerly Invitae), Labcorp and Mayo Clinic Laboratories, Mayo Clinic); PubMed 8803779 (cited by Labcorp Genetics (formerly Invitae), Labcorp); PubMed 9708897 (cited by Labcorp Genetics (formerly Invitae), Labcorp); PubMed 10364517 (cited by 6 submitters); PubMed 11434706 (cited by Labcorp Genetics (formerly Invitae), Labcorp); PubMed 15146473 (cited by Labcorp Genetics (formerly Invitae), Labcorp); PubMed 17072863 (cited by Labcorp Genetics (formerly Invitae), Labcorp); PubMed 18805305 (cited by Labcorp Genetics (formerly Invitae), Labcorp); PubMed 19819175 (cited by 6 submitters); PubMed 20567906 (cited by Labcorp Genetics (formerly Invitae), Labcorp and Mayo Clinic Laboratories, Mayo Clinic); PubMed 25516723 (cited by Labcorp Genetics (formerly Invitae), Labcorp and Ambry Genetics); PubMed 11359213 (cited by Labcorp Genetics (formerly Invitae), Labcorp and Myriad Genetics, Inc.); PubMed 20506325 (cited by 3 submitters); PubMed 22069143 (cited by 4 submitters); PubMed 22267502 (cited by 3 submitters); PubMed 26750749 (cited by Ambry Genetics); PubMed 29326875 (cited by Ambry Genetics); PubMed 29352562 (cited by Ambry Genetics); PubMed 24211323 (cited by Natera, Inc.); PubMed 32769498 (cited by Natera, Inc.); PubMed 25218699 (cited by Natera, Inc.); PubMed 23592311 (cited by Department of Clinical Genetics, Copenhagen University Hospital, Rigshospitalet and Laboratory for Molecular Medicine, Mass General Brigham Personalized Medicine); PubMed 14722927 (cited by 5 submitters); PubMed 21520339 (cited by 3billion); PubMed 6711564 (cited by Myriad Genetics, Inc.); PubMed 8940271 (cited by 3 submitters); PubMed 33223529 (cited by Hadassah Hebrew University Medical Center); PubMed 17540596 (cited by Women's Health and Genetics/Laboratory Corporation of America, LabCorp); PubMed 11230183 (cited by Women's Health and Genetics/Laboratory Corporation of America, LabCorp); PubMed 18201569 (cited by Women's Health and Genetics/Laboratory Corporation of America, LabCorp); PubMed 9864922 (cited by Women's Health and Genetics/Laboratory Corporation of America, LabCorp); PubMed 16375773 (cited by Women's Health and Genetics/Laboratory Corporation of America, LabCorp); PubMed 10338090 (cited by Illumina Laboratory Services, Illumina); PubMed 10807759 (cited by Illumina Laboratory Services, Illumina); PubMed 10328723 (cited by Illumina Laboratory Services, Illumina and OMIM); PubMed 7506602 (cited by OMIM); PubMed 8554066 (cited by OMIM); PubMed 7762555 (cited by OMIM); PubMed 28583326 (cited by OMIM); PubMed 12552044 (cited by OMIM); NCBI Bookshelf NBK1524 (cited by GeneReviews).